The following is an entry in ClinVar:

ClinVar aggregate classification (germline): Uncertain significance (1 of 4 stars; one submission).

Conditions:
DiGeorge syndrome. Also called: Catch22; THIRD AND FOURTH PHARYNGEAL POUCH SYNDROME. Identifiers: Orphanet 567, MedGen C0012236, MONDO:0008564, OMIM 188400.

Allele frequency attached by ClinVar (database versions not stated): gnomAD exomes 0.00001.
gnomAD v4.1: 8 of 1,517,882 alleles (0.00053%); highest among the groups gnomAD compares: Non-Finnish European, 0.0007%; no homozygotes.

Submission:

Labcorp Genetics (formerly Invitae), Labcorp
Classification: Uncertain significance for DiGeorge syndrome. Last evaluated: 2024-08-05. Review status: criteria provided, single submitter. Criteria: Invitae Variant Classification Sherloc (09022015). Collection method: clinical testing. Allele origin: germline.
Comment: This sequence change replaces alanine, which is neutral and non-polar, with serine, which is neutral and polar, at codon 326 of the TBX1 protein (p.Ala326Ser). The frequency data for this variant in the population databases is considered unreliable, as metrics indicate poor data quality at this position in the gnomAD database. This variant has not been reported in the literature in individuals affected with TBX1-related conditions. ClinVar contains an entry for this variant (Variation ID: 1518307). Advanced modeling of protein sequence and biophysical properties (such as structural, functional, and spatial information, amino acid conservation, physicochemical variation, residue mobility, and thermodynamic stability) performed at Invitae indicates that this missense variant is not expected to disrupt TBX1 protein function with a negative predictive value of 80%. In summary, the available evidence is currently insufficient to determine the role of this variant in disease. Therefore, it has been classified as a Variant of Uncertain Significance.

NM_001379200.1(TBX1):c.1003G>T (p.Ala335Ser)

Gene: TBX1 (T-box transcription factor 1; plus strand). Cytogenetic location: 22q11.21.
Variant type: single nucleotide variant.
Coding change: c.1003G>T on transcript NM_001379200.1 (MANE Select); coding-DNA position 1003, G replaced by T.
Protein change: p.Ala335Ser; replaces alanine 335 with serine.
Molecular consequence: missense variant.
Genome position (GRCh38, 1-based): chr22:19,765,969, G>T. VCF-style: chr22-19765969-G-T. GRCh37 (hg19) VCF-style: chr22-19753492-G-T.
Other names: c.976G>T, p.Ala326Ser (NM_005992.1, NM_080646.2, NM_080647.1); short protein forms A326S, A335S.
Identifiers: ClinVar variation 1518307 (VCV001518307.6), dbSNP rs892172437, ClinGen allele CA322057762.